The following is an entry in ClinVar:

NM_001122630.2(CDKN1C):c.862A>G (p.Ser288Gly)

Gene: CDKN1C (cyclin dependent kinase inhibitor 1C; minus strand). Cytogenetic location: 11p15.4.
Variant type: single nucleotide variant.
Coding change: c.862A>G on transcript NM_001122630.2 (MANE Select); coding-DNA position 862, A replaced by G.
Protein change: p.Ser288Gly; replaces serine 288 with glycine.
Molecular consequence: missense variant. On other transcripts: synonymous variant (1).
Genome position (GRCh38, 1-based): chr11:2,884,060, T>C on the plus strand (A>G on the coding strand, the complement: CDKN1C is on the minus strand). VCF-style: chr11-2884060-T-C. GRCh37 (hg19) VCF-style: chr11-2905290-T-C.
Other names: c.895A>G, p.Ser299Gly (NM_000076.2, NM_001362474.2); c.862A>G, p.Ser288Gly (NM_001122631.2); c.330A>G, p.Gln110= (NM_001362475.2); short protein forms S288G, S299G.
Identifiers: ClinVar variation 1713355 (VCV001713355.6), dbSNP rs2494379770, ClinGen allele CA379144847.
Genomic context (GRCh38, chr11:2,884,060, plus strand): 5'-TGGCTCACCGCAGCCTCTTGCGCGGGGTCTGCTCCACCGAGCCCACGCCAGGGGCGGCGC[T>C]TGGAGAGGGACACGGCGCGGGGACATCGCCCGACGACTTCTCAGGCGCTGATCTCTTGCG-3'
Protein context (NP_001116102.1, residues 278-298): GDVPAPCPSP[Ser288Gly]AAPGVGSVEQ

ClinVar aggregate classification (germline): Uncertain significance (1 of 4 stars; one submission).

Conditions:
Beckwith-Wiedemann syndrome (BWS). Also called: Exomphalos macroglossia gigantism syndrome; EMG SYNDROME. Identifiers: Orphanet 116, MedGen C0004903, MONDO:0007534, OMIM 130650.

Submission:

Labcorp Genetics (formerly Invitae), Labcorp
Classification: Uncertain significance for Beckwith-Wiedemann syndrome. Last evaluated: 2023-03-22. Review status: criteria provided, single submitter. Criteria: Invitae Variant Classification Sherloc (09022015). Collection method: clinical testing. Allele origin: germline.
Comment: Advanced modeling of protein sequence and biophysical properties (such as structural, functional, and spatial information, amino acid conservation, physicochemical variation, residue mobility, and thermodynamic stability) performed at Invitae indicates that this missense variant is not expected to disrupt CDKN1C protein function. This sequence change replaces serine, which is neutral and polar, with glycine, which is neutral and non-polar, at codon 299 of the CDKN1C protein (p.Ser299Gly). This variant is not present in population databases (gnomAD no frequency). This variant has not been reported in the literature in individuals affected with CDKN1C-related conditions. ClinVar contains an entry for this variant (Variation ID: 1713355). In summary, the available evidence is currently insufficient to determine the role of this variant in disease. Therefore, it has been classified as a Variant of Uncertain Significance.